The following is an entry in ClinVar:

ClinVar aggregate classification (germline): Conflicting classifications of pathogenicity. Review status: criteria provided, conflicting classifications (1 of 4 stars). 3 submissions from 3 submitters: Uncertain significance (2); Benign (1). Last evaluated 2025-10-23.

Conditions:
RAI1-related disorder. Also called: RAI1-related condition.

Allele frequency attached by ClinVar (database versions not stated): gnomAD exomes 0.00001; ExAC 0.00002; TOPMed 0.00002; gnomAD 0.00003; ESP Exome Variant Server 0.00008.
gnomAD v4.1: 22 of 1,584,626 alleles (0.0014%); highest among the groups gnomAD compares: South Asian, 0.0045%; no homozygotes.

Submissions (3):

Women's Health and Genetics/Laboratory Corporation of America, LabCorp
Classification: Uncertain significance. Last evaluated: 2025-10-23. Review status: criteria provided, single submitter. Criteria: LabCorp Variant Classification Summary - May 2015. Collection method: clinical testing. Allele origin: germline.
Comment: Variant summary: RAI1 c.2525G>A (p.Arg842Gln) results in a conservative amino acid change in the encoded protein sequence. Algorithms developed to predict the effect of missense changes on protein structure and function all suggest that this variant is likely to be tolerated. The variant allele was found at a frequency of 5.1e-06 in 196026 control chromosomes. The available data on variant occurrences in the general population are insufficient to allow any conclusion about variant significance. To our knowledge, no occurrence of c.2525G>A in individuals affected with RAI1-related conditions and no experimental evidence demonstrating its impact on protein function have been reported. ClinVar contains an entry for this variant (Variation ID: 1601482). Based on the evidence outlined above, the variant was classified as uncertain significance.

PreventionGenetics, part of Exact Sciences
Classification: Uncertain significance for RAI1-related condition. Last evaluated: 2025-09-19. Review status: criteria provided, single submitter. Criteria: ACMG Guidelines, 2015. Collection method: clinical testing. Allele origin: germline.
Comment: The RAI1 c.2525G>A variant is predicted to result in the amino acid substitution p.Arg842Gln. To our knowledge, this variant has not been reported in the literature. This variant is reported in 0.0058% of alleles in individuals of European (Finnish) descent in gnomAD. At this time, the clinical significance of this variant is uncertain due to the absence of conclusive functional and genetic evidence.

Labcorp Genetics (formerly Invitae), Labcorp
Classification: Benign. Last evaluated: 2024-11-13. Review status: criteria provided, single submitter. Criteria: Invitae Variant Classification Sherloc (09022015). Collection method: clinical testing. Allele origin: germline.

NM_030665.4(RAI1):c.2525G>A (p.Arg842Gln)

Gene: RAI1 (retinoic acid induced 1; plus strand). Cytogenetic location: 17p11.2.
Variant type: single nucleotide variant.
Coding change: c.2525G>A on transcript NM_030665.4 (MANE Select); coding-DNA position 2525, G replaced by A.
Protein change: p.Arg842Gln; replaces arginine 842 with glutamine.
Molecular consequence: missense variant.
Genome position (GRCh38, 1-based): chr17:17,795,473, G>A. VCF-style: chr17-17795473-G-A. GRCh37 (hg19) VCF-style: chr17-17698787-G-A.
Other names: c.2525G>A (NM_030665.3); short protein forms R842Q.
Identifiers: ClinVar variation 1601482 (VCV001601482.10), dbSNP rs373929990, ClinGen allele CA8418556.